The following is an entry in ClinVar:

ClinVar aggregate classification (germline): Uncertain significance. Review status: criteria provided, multiple submitters, no conflicts (2 of 4 stars). 5 submissions from 5 submitters: Uncertain significance (5). Last evaluated 2026-01-31.

Conditions:
Rothmund-Thomson syndrome type 2 (RTS2). Identifiers: Orphanet 221016, MedGen C5203410, MONDO:0016369, OMIM 268400.
Hereditary cancer-predisposing syndrome. Also called: Hereditary Cancer Syndrome; Tumor predisposition; Hereditary neoplastic syndrome; Neoplastic Syndromes, Hereditary. Identifiers: Orphanet 140162, MedGen C0027672, MeSH D009386, MONDO:0015356.
Baller-Gerold syndrome (BGS). Also called: CRANIOSYNOSTOSIS WITH RADIAL DEFECTS. Identifiers: Orphanet 1225, MedGen C0265308, MONDO:0009039, OMIM 218600.

Allele frequency attached by ClinVar (database versions not stated): gnomAD exomes 0.00003 and 0.00008; ExAC 0.00006; gnomAD 0.00014 and 0.00016; ESP Exome Variant Server 0.00016; TOPMed 0.00022.
gnomAD v4.1: 69 of 1,612,130 alleles (0.0043%); highest among the groups gnomAD compares: African/African-American, 0.056%; no homozygotes.

Submissions (5):

Labcorp Genetics (formerly Invitae), Labcorp
Classification: Uncertain significance for Baller-Gerold syndrome. Last evaluated: 2026-01-31. Review status: criteria provided, single submitter. Criteria: Invitae Variant Classification Sherloc (09022015). Collection method: clinical testing. Allele origin: germline.
Comment: This sequence change replaces arginine, which is basic and polar, with glutamine, which is neutral and polar, at codon 562 of the RECQL4 protein (p.Arg562Gln). This variant is present in population databases (rs375562152, gnomAD 0.08%). This variant has not been reported in the literature in individuals affected with RECQL4-related conditions. ClinVar contains an entry for this variant (Variation ID: 193668). Invitae Evidence Modeling of protein sequence and biophysical properties (such as structural, functional, and spatial information, amino acid conservation, physicochemical variation, residue mobility, and thermodynamic stability) indicates that this missense variant is not expected to disrupt RECQL4 protein function with a negative predictive value of 80%. In summary, the available evidence is currently insufficient to determine the role of this variant in disease. Therefore, it has been classified as a Variant of Uncertain Significance.

St. Jude Molecular Pathology, St. Jude Children's Research Hospital
Classification: Uncertain significance for Rothmund-Thomson syndrome type 2. Last evaluated: 2023-09-22. Review status: criteria provided, single submitter. Criteria: St. Jude Assertion Criteria 2020. Collection method: clinical testing. Allele origin: germline.
Comment: The RECQL4 c.1685G>A (p.Arg562Gln) missense change has a maximum subpopulation frequency of 0.07% in gnomAD v2.1.1. In silico tools are inconclusive about a pathogenic or benign effect of this variant on protein function, and to our knowledge functional studies have not been performed. To our knowledge, this variant has not been reported in individuals with RECQL4-associated conditions. In summary, the evidence currently available is insufficient to determine the clinical significance of this variant. It has therefore been classified as of uncertain significance.

GeneDx
Classification: Uncertain significance. Last evaluated: 2022-10-25. Review status: criteria provided, single submitter. Criteria: GeneDx Variant Classification Process June 2021. Collection method: clinical testing. Allele origin: germline. Affected: yes.
Comment: In silico analysis supports that this missense variant has a deleterious effect on protein structure/function; Has not been previously published as pathogenic or benign to our knowledge

Sema4
Classification: Uncertain significance for Hereditary cancer-predisposing syndrome. Last evaluated: 2021-05-05. Review status: criteria provided, single submitter. Criteria: Sema4 Curation Guidelines. Collection method: curation. Allele origin: germline.
Comment: The RECQL4 c.1685G>A (p.R562Q) variant has not been reported in the literature to our knowledge. It was observed in 18/23846 chromosomes of the African/African American subpopulation in the large and broad cohorts of the Genome Aggregation Database. The variant has been reported in ClinVar (Variation ID 193668). In silico tools suggest the impact of the variant on protein function is benign, though these predictions have not been confirmed by functional studies. The evidence is insufficient to meet ACMG/AMP criteria for classifying the variant as benign or pathogenic. Thus, the clinical significance of this variant is currently uncertain.

Eurofins Ntd Llc (ga)
Classification: Uncertain significance. Last evaluated: 2016-12-07. Review status: criteria provided, single submitter. Criteria: EGL Classification Definitions 2015. Collection method: clinical testing. Allele origin: germline. Observed: 2 variant alleles, 2 heterozygotes.

NM_004260.4(RECQL4):c.1685G>A (p.Arg562Gln)

Gene: RECQL4 (RecQ like helicase 4; minus strand). Cytogenetic location: 8q24.3.
Variant type: single nucleotide variant.
Coding change: c.1685G>A on transcript NM_004260.4 (MANE Select); coding-DNA position 1685, G replaced by A.
Protein change: p.Arg562Gln; replaces arginine 562 with glutamine.
Molecular consequence: missense variant.
Genome position (GRCh38, 1-based): chr8:144,514,461, C>T on the plus strand (G>A on the coding strand, the complement: RECQL4 is on the minus strand). VCF-style: chr8-144514461-C-T. GRCh37 (hg19) VCF-style: chr8-145739845-C-T.
Other names: short protein forms R562Q.
Identifiers: ClinVar variation 193668 (VCV000193668.15), dbSNP rs375562152, ClinGen allele CA239245.